The following is an entry in ClinVar:

NM_000548.5(TSC2):c.2246G>A (p.Arg749Gln)

Gene: TSC2 (TSC complex subunit 2; plus strand). Cytogenetic location: 16p13.3.
Variant type: single nucleotide variant.
Coding change: c.2246G>A on transcript NM_000548.5 (MANE Select); coding-DNA position 2246, G replaced by A.
Protein change: p.Arg749Gln; replaces arginine 749 with glutamine.
Molecular consequence: missense variant.
Genome position (GRCh38, 1-based): chr16:2,072,874, G>A. VCF-style: chr16-2072874-G-A. GRCh37 (hg19) VCF-style: chr16-2122875-G-A.
Other names: p.R749Q:CGG>CAG; c.2246G>A, p.Arg749Gln (NM_001077183.3, NM_001114382.3, NM_001363528.2 and 3 more transcripts); c.2135G>A, p.Arg712Gln (NM_001318827.2); c.2099G>A, p.Arg700Gln (NM_001318829.2); c.1646G>A, p.Arg549Gln (NM_001318831.2); c.2279G>A, p.Arg760Gln (NM_001318832.2); short protein forms R749Q, R760Q, R700Q, R549Q, R712Q.
Identifiers: ClinVar variation 207727 (VCV000207727.27), dbSNP rs766442736, ClinGen allele CA037732.

ClinVar aggregate classification (germline): Conflicting classifications of pathogenicity. Review status: criteria provided, conflicting classifications (1 of 4 stars). 9 submissions from 9 submitters: Uncertain significance (7); Likely benign (2). Last evaluated 2026-07-01.

Conditions:
Tuberous sclerosis syndrome (TSC). Also called: Tuberous sclerosis; Tuberous Sclerosis Complex. Identifiers: Orphanet 805, MedGen C0041341, MONDO:0001734.
Tuberous sclerosis 2 (TSC2). Identifiers: Orphanet 805, MedGen C1860707, MONDO:0013199, OMIM 613254.
Hereditary cancer-predisposing syndrome. Also called: Neoplastic Syndromes, Hereditary; Tumor predisposition; Hereditary Cancer Syndrome; Hereditary neoplastic syndrome. Identifiers: Orphanet 140162, MedGen C0027672, MeSH D009386, MONDO:0015356.

Allele frequency attached by ClinVar (database versions not stated): gnomAD exomes 0.00001 and 0.00002; ExAC 0.00002; gnomAD 0.00002; TOPMed 0.00002.
gnomAD v4.1: 15 of 1,613,454 alleles (0.00093%); highest among the groups gnomAD compares: Admixed American, 0.005%; no homozygotes.

Submissions (9):

CeGaT Center for Human Genetics Tuebingen
Classification: Uncertain significance. Last evaluated: 2026-07-01. Review status: criteria provided, single submitter. Criteria: CeGaT Center For Human Genetics Tuebingen Variant Classification Criteria Version 2. Collection method: clinical testing. Allele origin: germline. Affected: yes. Observed: 1 variant allele.

Labcorp Genetics (formerly Invitae), Labcorp
Classification: Likely benign for Tuberous sclerosis 2. Last evaluated: 2026-01-21. Review status: criteria provided, single submitter. Criteria: Invitae Variant Classification Sherloc (09022015). Collection method: clinical testing. Allele origin: germline.

Color Diagnostics, LLC DBA Color Health
Classification: Uncertain significance for Tuberous sclerosis syndrome. Last evaluated: 2024-03-25. Review status: criteria provided, single submitter. Criteria: ACMG Guidelines, 2015. Collection method: clinical testing. Allele origin: germline.
Comment: This missense variant replaces arginine with glutamine at codon 749 of the TSC2 protein. Computational prediction is inconclusive regarding the impact of this variant on protein structure and function. To our knowledge, functional studies have not been reported for this variant. This variant has not been reported in individuals affected with tuberous sclerosis complex in the literature. This variant has been identified in 8/282356 chromosomes in the general population by the Genome Aggregation Database (gnomAD). The available evidence is insufficient to determine the role of this variant in disease conclusively. Therefore, this variant is classified as a Variant of Uncertain Significance.

Ambry Genetics
Classification: Uncertain significance for Hereditary cancer-predisposing syndrome. Last evaluated: 2024-02-01. Review status: criteria provided, single submitter. Criteria: Ambry Variant Classification Scheme 2023. Collection method: clinical testing. Allele origin: germline.
Comment: The p.R749Q variant (also known as c.2246G>A), located in coding exon 20 of the TSC2 gene, results from a G to A substitution at nucleotide position 2246. The arginine at codon 749 is replaced by glutamine, an amino acid with highly similar properties. This amino acid position is highly conserved in available vertebrate species. In addition, this alteration is predicted to be deleterious by in silico analysis. Based on the available evidence, the clinical significance of this alteration remains unclear.

GeneDx
Classification: Uncertain significance. Last evaluated: 2023-11-14. Review status: criteria provided, single submitter. Criteria: GeneDx Variant Classification Process June 2021. Collection method: clinical testing. Allele origin: germline. Affected: yes.
Comment: In silico analysis supports that this missense variant does not alter protein structure/function; Has not been previously published as pathogenic or benign to our knowledge; This variant is associated with the following publications: (PMID: 28481359)

Blueprint Genetics
Classification: Likely benign. Last evaluated: 2023-08-03. Review status: criteria provided, single submitter. Criteria: ACMG Guidelines, 2015. Collection method: clinical testing. Allele origin: germline.

All of Us Research Program, National Institutes of Health
Classification: Uncertain significance for Tuberous sclerosis syndrome. Last evaluated: 2023-05-08. Review status: criteria provided, single submitter. Criteria: ACMG Guidelines, 2015. Collection method: clinical testing. Allele origin: germline. Inheritance: Autosomal dominant inheritance. Observed: 1 variant allele, 1 heterozygote.
Comment: This study involves interpretation of variants in research participants for the purpose of population health screening. Participant phenotype was not available at the time of variant classification. Additional details can be found in publication PMID: 35346344, PMCID: PMC8962531

Genome-Nilou Lab
Classification: Uncertain significance for Tuberous sclerosis 2. Last evaluated: 2021-11-07. Review status: criteria provided, single submitter. Criteria: ACMG Guidelines, 2015. Collection method: clinical testing. Allele origin: germline. Affected: no.

Illumina Laboratory Services, Illumina
Classification: Uncertain significance for Tuberous sclerosis syndrome. Last evaluated: 2018-01-13. Review status: criteria provided, single submitter. Criteria: ICSL Variant Classification Criteria 13 December 2019. Collection method: clinical testing. Allele origin: germline.